The following is an entry in ClinVar:

NM_017534.6(MYH2):c.3731T>A (p.Val1244Asp)

Genes: MYH2 (myosin heavy chain 2; minus strand), MYHAS (myosin heavy chain gene cluster antisense RNA; plus strand). Cytogenetic location: 17p13.1.
Variant type: single nucleotide variant.
Coding change: c.3731T>A on transcript NM_017534.6 (MANE Select); coding-DNA position 3731, T replaced by A.
Protein change: p.Val1244Asp; replaces valine 1244 with aspartic acid.
Molecular consequence: missense variant.
Genome position (GRCh38, 1-based): chr17:10,528,703, A>T on the plus strand (T>A on the coding strand, the complement: MYH2 is on the minus strand). VCF-style: chr17-10528703-A-T. GRCh37 (hg19) VCF-style: chr17-10432020-A-T.
Other names: c.3731T>A, p.Val1244Asp (NM_001100112.2); short protein forms V1244D.
Identifiers: ClinVar variation 2016087 (VCV002016087.4), dbSNP rs2508427592, ClinGen allele CA398132348.

ClinVar aggregate classification (germline): Uncertain significance (1 of 4 stars; one submission).

Conditions:
Myopathy, proximal, and ophthalmoplegia (CMYO6). Also called: CONGENITAL MYOPATHY 6 WITH OPHTHALMOPLEGIA; MYOPATHY WITH CONGENITAL JOINT CONTRACTURES, OPHTHALMOPLEGIA, AND RIMMED VACUOLES; INCLUSION BODY MYOPATHY 3, AUTOSOMAL DOMINANT. Identifiers: Orphanet 363677, Orphanet 79091, MedGen C1854106, MONDO:0011577, OMIM 605637.

Submission:

Labcorp Genetics (formerly Invitae), Labcorp
Classification: Uncertain significance for Myopathy, proximal, and ophthalmoplegia. Last evaluated: 2022-07-11. Review status: criteria provided, single submitter. Criteria: Invitae Variant Classification Sherloc (09022015). Collection method: clinical testing. Allele origin: germline.
Comment: In summary, the available evidence is currently insufficient to determine the role of this variant in disease. Therefore, it has been classified as a Variant of Uncertain Significance. Algorithms developed to predict the effect of missense changes on protein structure and function (SIFT, PolyPhen-2, Align-GVGD) all suggest that this variant is likely to be disruptive. This variant has not been reported in the literature in individuals affected with MYH2-related conditions. This variant is not present in population databases (gnomAD no frequency). This sequence change replaces valine, which is neutral and non-polar, with aspartic acid, which is acidic and polar, at codon 1244 of the MYH2 protein (p.Val1244Asp).